The following is an entry in ClinVar:

NM_018418.5(SPATA7):c.794A>G (p.Lys265Arg)

Gene: SPATA7 (spermatogenesis associated 7; plus strand). Cytogenetic location: 14q31.3.
Variant type: single nucleotide variant.
Coding change: c.794A>G on transcript NM_018418.5 (MANE Select); coding-DNA position 794, A replaced by G.
Protein change: p.Lys265Arg; replaces lysine 265 with arginine.
Molecular consequence: missense variant.
Genome position (GRCh38, 1-based): chr14:88,426,653, A>G. VCF-style: chr14-88426653-A-G. GRCh37 (hg19) VCF-style: chr14-88892997-A-G.
Other names: c.698A>G, p.Lys233Arg (NM_001040428.4); short protein forms K265R, K233R.
Identifiers: ClinVar variation 2045552 (VCV002045552.6), dbSNP rs2076803175, ClinGen allele CA390564762.

ClinVar aggregate classification (germline): Uncertain significance. Review status: criteria provided, multiple submitters, no conflicts (2 of 4 stars). 2 submissions from 2 submitters: Uncertain significance (2). Last evaluated 2025-07-08.

Conditions:
Leber congenital amaurosis 3 (LCA3). Also called: SPATA7-Related Retinitis Pigmentosa. Identifiers: MedGen C1858677, MONDO:0011415, OMIM 604232.

Allele frequency attached by ClinVar (database versions not stated): gnomAD exomes below 0.00001; TOPMed below 0.00001.
gnomAD v4.1: 1 of 1,613,998 alleles (0.000062%); highest among the groups gnomAD compares: Non-Finnish European, 0.000085%; no homozygotes.

Submissions (2):

Dasa
Classification: Uncertain significance. Last evaluated: 2025-07-08. Review status: criteria provided, single submitter. Criteria: DASA Assertion Criteria. Collection method: clinical testing. Allele origin: germline.
Comment: NM_018418.5(SPATA7):c.794A>G (p.Lys265Arg) is a missense variant that results in the substitution of lysine with arginine. This variant is rare in population databases. Computational prediction algorithms are consistent with a benign effect. The currently available literature and clinical evidence are not sufficient to establish a definitive association between this variant and the reported condition. Therefore, this variant is classified as a variant of uncertain significance.

Labcorp Genetics (formerly Invitae), Labcorp
Classification: Uncertain significance for Leber congenital amaurosis 3. Last evaluated: 2022-10-24. Review status: criteria provided, single submitter. Criteria: Invitae Variant Classification Sherloc (09022015). Collection method: clinical testing. Allele origin: germline.
Comment: This sequence change replaces lysine, which is basic and polar, with arginine, which is basic and polar, at codon 265 of the SPATA7 protein (p.Lys265Arg). This variant is not present in population databases (gnomAD no frequency). This variant has not been reported in the literature in individuals affected with SPATA7-related conditions. Advanced modeling of protein sequence and biophysical properties (such as structural, functional, and spatial information, amino acid conservation, physicochemical variation, residue mobility, and thermodynamic stability) performed at Invitae indicates that this missense variant is not expected to disrupt SPATA7 protein function. In summary, the available evidence is currently insufficient to determine the role of this variant in disease. Therefore, it has been classified as a Variant of Uncertain Significance.